The following is an entry in ClinVar:

NM_004174.4(SLC9A3):c.1471A>G (p.Ile491Val)

Gene: SLC9A3 (solute carrier family 9 member A3). Cytogenetic location: 5p15.33.
Variant type: single nucleotide variant.
Coding change: c.1471A>G on transcript NM_004174.4 (MANE Select); coding-DNA position 1471, A replaced by G.
Protein change: p.Ile491Val; replaces isoleucine 491 with valine.
Molecular consequence: missense variant.
Genome position (GRCh38, 1-based): chr5:481,611, T>C on the plus strand (A>G on the coding strand, the complement: SLC9A3 is on the minus strand). VCF-style: chr5-481611-T-C. GRCh37 (hg19) VCF-style: chr5-481726-T-C.
Other names: c.1444A>G, p.Ile482Val (NM_001284351.3); c.1471A>G (NM_004174.2); short protein forms I482V, I491V.
Identifiers: ClinVar variation 1917628 (VCV001917628.3), dbSNP rs768900330, ClinGen allele CA3175869.

ClinVar aggregate classification (germline): Uncertain significance. Review status: criteria provided, multiple submitters, no conflicts (2 of 4 stars). 2 submissions from 2 submitters: Uncertain significance (2). Last evaluated 2025-02-22.

Conditions:
Inborn genetic diseases. Identifiers: MedGen C0950123, MeSH D030342.

Allele frequency attached by ClinVar (database versions not stated): gnomAD 0.00001; gnomAD exomes 0.00001; ExAC 0.00002; TOPMed 0.00003.
gnomAD v4.1: 14 of 1,613,940 alleles (0.00087%); highest among the groups gnomAD compares: Admixed American, 0.0083%; no homozygotes.

Submissions (2):

Ambry Genetics
Classification: Uncertain significance for Inborn genetic diseases. Last evaluated: 2025-02-22. Review status: criteria provided, single submitter. Criteria: Ambry Variant Classification Scheme 2023. Collection method: clinical testing. Allele origin: germline.

Labcorp Genetics (formerly Invitae), Labcorp
Classification: Uncertain significance. Last evaluated: 2022-08-21. Review status: criteria provided, single submitter. Criteria: Invitae Variant Classification Sherloc (09022015). Collection method: clinical testing. Allele origin: germline.
Comment: This sequence change replaces isoleucine, which is neutral and non-polar, with valine, which is neutral and non-polar, at codon 491 of the SLC9A3 protein (p.Ile491Val). This variant is present in population databases (rs768900330, gnomAD 0.01%). This variant has not been reported in the literature in individuals affected with SLC9A3-related conditions. Algorithms developed to predict the effect of missense changes on protein structure and function are either unavailable or do not agree on the potential impact of this missense change (SIFT: "Not Available"; PolyPhen-2: "Benign"; Align-GVGD: "Not Available"). In summary, the available evidence is currently insufficient to determine the role of this variant in disease. Therefore, it has been classified as a Variant of Uncertain Significance.